The following is an entry in ClinVar:

NM_001009944.3(PKD1):c.8908G>A (p.Gly2970Ser)

Gene: PKD1 (polycystin 1, transient receptor potential channel interacting; minus strand). Cytogenetic location: 16p13.3.
Variant type: single nucleotide variant.
Coding change: c.8908G>A on transcript NM_001009944.3 (MANE Select); coding-DNA position 8908, G replaced by A.
Protein change: p.Gly2970Ser; replaces glycine 2970 with serine.
Molecular consequence: missense variant.
Genome position (GRCh38, 1-based): chr16:2,102,854, C>T on the plus strand (G>A on the coding strand, the complement: PKD1 is on the minus strand). VCF-style: chr16-2102854-C-T. GRCh37 (hg19) VCF-style: chr16-2152855-C-T.
Other names: c.8908G>A, p.Gly2970Ser (NM_000296.4); short protein forms G2970S.
Identifiers: ClinVar variation 1327373 (VCV001327373.2), dbSNP rs1372716499, ClinGen allele CA394361564.

ClinVar aggregate classification (germline): Uncertain significance (1 of 4 stars; one submission).

Allele frequency attached by ClinVar (database versions not stated): gnomAD exomes below 0.00001.
gnomAD v4.1: 5 of 1,599,450 alleles (0.00031%); highest among the groups gnomAD compares: East Asian, 0.0023%; no homozygotes.

Submission:

GeneDx
Classification: Uncertain significance. Last evaluated: 2021-06-01. Review status: criteria provided, single submitter. Criteria: GeneDx Variant Classification Process June 2021. Collection method: clinical testing. Allele origin: germline. Affected: yes.
Comment: Not observed at significant frequency in large population cohorts (Lek et al., 2016); In silico analysis supports that this missense variant does not alter protein structure/function; Has not been previously published as pathogenic or benign to our knowledge; This variant is associated with the following publications: (PMID: 27535533)